The following is an entry in ClinVar:

ClinVar aggregate classification (germline): Uncertain significance (1 of 4 stars; one submission).

gnomAD v4.1: 3 of 1,613,522 alleles (0.00019%); highest among the groups gnomAD compares: South Asian, 0.0011%; no homozygotes.

Submission:

Labcorp Genetics (formerly Invitae), Labcorp
Classification: Uncertain significance. Last evaluated: 2022-02-05. Review status: criteria provided, single submitter. Criteria: Invitae Variant Classification Sherloc (09022015). Collection method: clinical testing. Allele origin: germline.
Comment: This variant has not been reported in the literature in individuals affected with ADGRV1-related conditions. In summary, the available evidence is currently insufficient to determine the role of this variant in disease. Therefore, it has been classified as a Variant of Uncertain Significance. Algorithms developed to predict the effect of missense changes on protein structure and function output the following: SIFT: "Deleterious"; PolyPhen-2: "Possibly Damaging"; Align-GVGD: "Class C0". The glutamic acid amino acid residue is found in multiple mammalian species, which suggests that this missense change does not adversely affect protein function. This variant is not present in population databases (gnomAD no frequency). This sequence change replaces lysine, which is basic and polar, with glutamic acid, which is acidic and polar, at codon 1984 of the ADGRV1 protein (p.Lys1984Glu).

NM_032119.4(ADGRV1):c.5950A>G (p.Lys1984Glu)

Gene: ADGRV1 (adhesion G protein-coupled receptor V1; plus strand). Cytogenetic location: 5q14.3.
Variant type: single nucleotide variant.
Coding change: c.5950A>G on transcript NM_032119.4 (MANE Select); coding-DNA position 5950, A replaced by G.
Protein change: p.Lys1984Glu; replaces lysine 1984 with glutamic acid.
Molecular consequence: missense variant. On other transcripts: non-coding transcript variant (1).
Genome position (GRCh38, 1-based): chr5:90,683,871, A>G. VCF-style: chr5-90683871-A-G. GRCh37 (hg19) VCF-style: chr5-89979688-A-G.
Other names: short protein forms K1984E.
Identifiers: ClinVar variation 1349551 (VCV001349551.8), dbSNP rs2149584931, ClinGen allele CA360413806.